The following is an entry in ClinVar:

ClinVar aggregate classification (germline): Conflicting classifications of pathogenicity. Review status: criteria provided, conflicting classifications (1 of 4 stars). 4 submissions from 4 submitters: Uncertain significance (2); Likely benign (2). Last evaluated 2025-09-05.

Conditions:
Hereditary cancer-predisposing syndrome. Also called: Neoplastic Syndromes, Hereditary; Hereditary Cancer Syndrome; Tumor predisposition; Hereditary neoplastic syndrome. Identifiers: Orphanet 140162, MedGen C0027672, MeSH D009386, MONDO:0015356.
Hereditary breast ovarian cancer syndrome. Also called: Hereditary breast and ovarian cancer; Hereditary breast and ovarian cancer syndrome; Breast and ovarian cancer; BRCA1- and BRCA2-Associated Hereditary Breast and Ovarian Cancer; Hereditary breast and/or ovarian cancer syndrome; Hereditary breast and ovarian cancer syndrome (HBOC). Identifiers: Orphanet 145, MedGen C0677776, MeSH D061325, MONDO:0003582. Disease mechanism: loss of function.

Submissions (4):

Color Diagnostics, LLC DBA Color Health
Classification: Likely benign for Hereditary cancer-predisposing syndrome. Last evaluated: 2025-09-05. Review status: criteria provided, single submitter. Criteria: ACMG Guidelines, 2015. Collection method: clinical testing. Allele origin: germline.

Labcorp Genetics (formerly Invitae), Labcorp
Classification: Likely benign for Hereditary breast ovarian cancer syndrome. Last evaluated: 2022-08-18. Review status: criteria provided, single submitter. Criteria: Invitae Variant Classification Sherloc (09022015). Collection method: clinical testing. Allele origin: germline.

GeneDx
Classification: Uncertain significance. Last evaluated: 2020-01-30. Review status: criteria provided, single submitter. Criteria: GeneDx Variant Classification Process June 2021. Collection method: clinical testing. Allele origin: germline. Affected: yes.
Comment: Not observed in large population cohorts (Lek et al., 2016); In silico analysis supports that this variant does not alter splicing; Has not been previously published as pathogenic or benign to our knowledge; Also known as 1544C>T

Quest Diagnostics Nichols Institute San Juan Capistrano
Classification: Uncertain significance. Last evaluated: 2019-11-29. Review status: criteria provided, single submitter. Criteria: Quest Diagnostics criteria. Collection method: clinical testing. Allele origin: unknown.

NM_007294.4(BRCA1):c.1425C>T (p.Ser475=)

Gene: BRCA1 (BRCA1 DNA repair associated; minus strand). Cytogenetic location: 17q21.31.
Variant type: single nucleotide variant.
Coding change: c.1425C>T on transcript NM_007294.4 (MANE Select); coding-DNA position 1425, C replaced by T.
Protein change: p.Ser475=; no amino-acid change (serine 475 retained).
Molecular consequence: synonymous variant. On other transcripts: intron variant (137).
Genome position (GRCh38, 1-based): chr17:43,094,106, G>A on the plus strand (C>T on the coding strand, the complement: BRCA1 is on the minus strand). VCF-style: chr17-43094106-G-A. GRCh37 (hg19) VCF-style: chr17-41246123-G-A.
Other names: c.1422C>T, p.Ser474= (NM_001407644.1, NM_001407645.1, NM_001407587.1 and 22 more transcripts); c.1302C>T, p.Ser434= (NM_001407680.1, NM_001407681.1, NM_001407682.1 and 19 more transcripts); c.1416C>T, p.Ser472= (NM_001407646.1, NM_001407647.1); c.1299C>T, p.Ser433= (NM_001407649.1, NM_001407685.1, NM_001407686.1 and 11 more transcripts); c.1425C>T, p.Ser475= (NM_001407652.1, NM_001407684.1, NM_001407581.1 and 30 more transcripts); c.1347C>T, p.Ser449= (NM_001407653.1, NM_001407654.1, NM_001407655.1 and 4 more transcripts); c.1284C>T, p.Ser428= (NM_001407692.1, NM_001407694.1, NM_001407695.1 and 29 more transcripts); c.1281C>T, p.Ser427= (NM_001407740.1, NM_001407741.1, NM_001407742.1 and 20 more transcripts); and 40 more.
Identifiers: ClinVar variation 993199 (VCV000993199.13), dbSNP rs2053939955, ClinGen allele CA500233816.